The following is an entry in ClinVar:

ClinVar aggregate classification (germline): Likely pathogenic (1 of 4 stars; one submission).

Conditions:
Glycogen storage disease type III (GSD3). Also called: FORBES DISEASE; Cori disease. Identifiers: Orphanet 366, MedGen C0017922, MONDO:0009291, OMIM 232400.

Submission:

Natera, Inc.
Classification: Likely pathogenic for Glycogen storage disease type III. Last evaluated: 2024-09-26. Review status: criteria provided, single submitter. Criteria: Natera Variant Classification Schema (03/2026). Collection method: clinical testing. Allele origin: germline.
Comment: The c.1742dup variant in AGL is a frameshift variant predicted to shift the reading frame beginning at codon 581 and leads to a stop codon 5 codons downstream. This variant is expected to result in nonsense mediated decay, truncation, or a dysfunctional protein product. This variant is rare in the general population with a frequency below the threshold expected for the associated phenotype(s). Given the available evidence, this variant is classified as Likely Pathogenic.

NM_000642.3(AGL):c.1742dup (p.Met581fs)

Gene: AGL (amylo-alpha-1,6-glucosidase and 4-alpha-glucanotransferase; plus strand). Cytogenetic location: 1p21.2.
Variant type: Duplication.
Coding change: c.1742dup on transcript NM_000642.3 (MANE Select); coding-DNA position 1742, one base duplicated (T; older notation c.1742dupT).
Protein change: p.Met581fs; shifts the reading frame from methionine 581.
Molecular consequence: frameshift variant.
Genome position (GRCh38, 1-based): chr1:99,880,638, T duplicated. VCF-style (leftmost placement, unchanged base first): chr1-99880637-A-AT. GRCh37 (hg19) VCF-style: chr1-100346193-A-AT.
Other names: c.1742dup, p.Met581fs (NM_000028.3, NM_000643.3, NM_000644.3 and 2 more transcripts); c.1694dup, p.Met565fs (NM_000646.3); c.1541dup, p.Met514fs (NM_001425327.1); c.1538dup, p.Met513fs (NM_001425328.1, NM_001425329.1); c.1364dup, p.Met455fs (NM_001425332.1); short protein forms M455fs, M513fs, M514fs, M565fs, M581fs.
Identifiers: ClinVar variation 4814433 (VCV004814433.1).